The following is an entry in ClinVar:

ClinVar aggregate classification (germline): Likely benign. Review status: criteria provided, multiple submitters, no conflicts (2 of 4 stars). 2 submissions from 2 submitters: Likely benign (2). Last evaluated 2025-12-06.

Conditions:
Spastic paraplegia. Identifiers: MedGen C0037772, HP:0001258.
SACS-related disorder. Also called: SACS-related condition.

Allele frequency attached by ClinVar (database versions not stated): gnomAD 0.00002; TOPMed 0.00003; ESP Exome Variant Server 0.00008.
gnomAD v4.1: 55 of 1,613,676 alleles (0.0034%); highest among the groups gnomAD compares: Middle Eastern, 0.016%; no homozygotes.

Submissions (2):

Labcorp Genetics (formerly Invitae), Labcorp
Classification: Likely benign for Spastic paraplegia. Last evaluated: 2025-12-06. Review status: criteria provided, single submitter. Criteria: Invitae Variant Classification Sherloc (09022015). Collection method: clinical testing. Allele origin: germline.

PreventionGenetics, part of Exact Sciences
Classification: Likely benign for SACS-related condition. Last evaluated: 2024-12-07. Review status: criteria provided, single submitter. Criteria: ACMG Guidelines, 2015. Collection method: clinical testing. Allele origin: germline.
Comment: This variant is classified as likely benign based on ACMG/AMP sequence variant interpretation guidelines (Richards et al. 2015 PMID: 25741868, with internal and published modifications).

NM_014363.6(SACS):c.6348C>T (p.Pro2116=)

Gene: SACS (sacsin molecular chaperone; minus strand). Cytogenetic location: 13q12.12.
Variant type: single nucleotide variant.
Coding change: c.6348C>T on transcript NM_014363.6 (MANE Select); coding-DNA position 6348, C replaced by T.
Protein change: p.Pro2116=; no amino-acid change (proline 2116 retained).
Molecular consequence: synonymous variant.
Genome position (GRCh38, 1-based): chr13:23,337,528, G>A on the plus strand (C>T on the coding strand, the complement: SACS is on the minus strand). VCF-style: chr13-23337528-G-A. GRCh37 (hg19) VCF-style: chr13-23911667-G-A.
Other names: c.5907C>T, p.Pro1969= (NM_001278055.2).
Identifiers: ClinVar variation 704659 (VCV000704659.9), dbSNP rs375619621, ClinGen allele CA6911097.